The following is an entry in ClinVar:

ClinVar aggregate classification (germline): Uncertain significance. Review status: criteria provided, multiple submitters, no conflicts (2 of 4 stars). 2 submissions from 2 submitters: Uncertain significance (2). Last evaluated 2023-11-11.

Allele frequency attached by ClinVar (database versions not stated): gnomAD 0.00001; TOPMed 0.00001; ESP Exome Variant Server 0.00008.
gnomAD v4.1: 1 of 1,614,090 alleles (0.000062%); highest among the groups gnomAD compares: African/African-American, 0.0013%; no homozygotes.

Submissions (2):

Ambry Genetics
Classification: Uncertain significance. Last evaluated: 2023-11-11. Review status: criteria provided, single submitter. Criteria: Ambry Variant Classification Scheme 2023. Collection method: clinical testing. Allele origin: germline.
Comment: The p.Q248E variant (also known as c.742C>G), located in coding exon 6 of the RINT1 gene, results from a C to G substitution at nucleotide position 742. The glutamine at codon 248 is replaced by glutamic acid, an amino acid with highly similar properties. This amino acid position is conserved. In addition, this alteration is predicted to be tolerated by in silico analysis. Since supporting evidence is limited at this time, the clinical significance of this alteration remains unclear.

Labcorp Genetics (formerly Invitae), Labcorp
Classification: Uncertain significance. Last evaluated: 2022-02-13. Review status: criteria provided, single submitter. Criteria: Invitae Variant Classification Sherloc (09022015). Collection method: clinical testing. Allele origin: germline.
Comment: This sequence change replaces glutamine, which is neutral and polar, with glutamic acid, which is acidic and polar, at codon 248 of the RINT1 protein (p.Gln248Glu). This variant is not present in population databases (gnomAD no frequency). This variant has not been reported in the literature in individuals affected with RINT1-related conditions. Algorithms developed to predict the effect of missense changes on protein structure and function (SIFT, PolyPhen-2, Align-GVGD) all suggest that this variant is likely to be tolerated. In summary, the available evidence is currently insufficient to determine the role of this variant in disease. Therefore, it has been classified as a Variant of Uncertain Significance.

NM_021930.6(RINT1):c.742C>G (p.Gln248Glu)

Gene: RINT1 (RAD50 interactor 1; plus strand). Cytogenetic location: 7q22.3.
Variant type: single nucleotide variant.
Coding change: c.742C>G on transcript NM_021930.6 (MANE Select); coding-DNA position 742, C replaced by G.
Protein change: p.Gln248Glu; replaces glutamine 248 with glutamic acid.
Molecular consequence: missense variant. On other transcripts: 5 prime UTR variant (2), non-coding transcript variant (1), intron variant (1).
Genome position (GRCh38, 1-based): chr7:105,547,236, C>G. VCF-style: chr7-105547236-C-G. GRCh37 (hg19) VCF-style: chr7-105187683-C-G.
Other names: c.508C>G, p.Gln170Glu (NM_001346599.2); c.-278C>G (NM_001346600.2); c.-181C>G (NM_001346601.2); c.-27-2819C>G (NM_001346603.2); c.742C>G (NM_021930.4); short protein forms Q170E, Q248E.
Identifiers: ClinVar variation 2138101 (VCV002138101.6), dbSNP rs139596022, ClinGen allele CA164055464.